The following is an entry in ClinVar:

ClinVar aggregate classification (germline): Likely benign (0 of 4 stars; one submission).

Conditions:
IFT74-related disorder. Also called: IFT74-related condition; IFT74-Related Disorders.

Submission:

PreventionGenetics, part of Exact Sciences
Classification: Likely benign for IFT74-related condition. Last evaluated: 2022-06-15. Review status: no assertion criteria provided. Collection method: clinical testing. Allele origin: germline.
Comment: This variant is classified as likely benign based on ACMG/AMP sequence variant interpretation guidelines (Richards et al. 2015 PMID: 25741868, with internal and published modifications).

NM_025103.4(IFT74):c.1752A>C (p.Ala584=)

Gene: IFT74 (intraflagellar transport 74; plus strand). Cytogenetic location: 9p21.2.
Variant type: single nucleotide variant.
Coding change: c.1752A>C on transcript NM_025103.4 (MANE Select); coding-DNA position 1752, A replaced by C.
Protein change: p.Ala584=; no amino-acid change (alanine 584 retained).
Molecular consequence: synonymous variant. On other transcripts: 3 prime UTR variant (1).
Genome position (GRCh38, 1-based): chr9:27,062,685, A>C. VCF-style: chr9-27062685-A-C. GRCh37 (hg19) VCF-style: chr9-27062683-A-C.
Other names: c.1752A>C, p.Ala584= (NM_001099222.3, NM_001099223.3); c.*688A>C (NM_001349928.2).
Identifiers: ClinVar variation 3353415 (VCV003353415.1).